The following is an entry in ClinVar:

ClinVar aggregate classification (germline): Likely benign (1 of 4 stars; one submission).

Allele frequency attached by ClinVar (database versions not stated): gnomAD 0.00003.

Submission:

CeGaT Center for Human Genetics Tuebingen
Classification: Likely benign. Last evaluated: 2022-11-01. Review status: criteria provided, single submitter. Criteria: CeGaT Center For Human Genetics Tuebingen Variant Classification Criteria Version 2. Collection method: clinical testing. Allele origin: germline. Affected: yes. Observed: 1 variant allele.
Comment: PRR12: BP4, BP7

NM_020719.3(PRR12):c.903A>C (p.Pro301=)

Gene: PRR12 (proline rich 12; plus strand). Cytogenetic location: 19q13.33.
Variant type: single nucleotide variant.
Coding change: c.903A>C on transcript NM_020719.3 (MANE Select); coding-DNA position 903, A replaced by C.
Protein change: p.Pro301=; no amino-acid change (proline 301 retained).
Molecular consequence: synonymous variant.
Genome position (GRCh38, 1-based): chr19:49,595,238, A>C. VCF-style: chr19-49595238-A-C. GRCh37 (hg19) VCF-style: chr19-50098495-A-C.
Identifiers: ClinVar variation 2650254 (VCV002650254.24), dbSNP rs892429498, ClinGen allele CA309526628.